The following is an entry in ClinVar:

NM_001369268.1(ACAN):c.7347C>T (p.Ala2449=)

Gene: ACAN (aggrecan; plus strand). Cytogenetic location: 15q26.1.
Variant type: single nucleotide variant.
Coding change: c.7347C>T on transcript NM_001369268.1 (MANE Select); coding-DNA position 7347, C replaced by T.
Protein change: p.Ala2449=; no amino-acid change (alanine 2449 retained).
Molecular consequence: synonymous variant.
Genome position (GRCh38, 1-based): chr15:88,872,925, C>T. VCF-style: chr15-88872925-C-T. GRCh37 (hg19) VCF-style: chr15-89416156-C-T.
Other names: c.7119C>T, p.Ala2373= (NM_001135.4); c.7233C>T, p.Ala2411= (NM_013227.4).
Identifiers: ClinVar variation 782890 (VCV000782890.12), dbSNP rs141037246, ClinGen allele CA7720662.

ClinVar aggregate classification (germline): Benign/Likely benign. Review status: criteria provided, multiple submitters, no conflicts (2 of 4 stars). 3 submissions from 3 submitters: Benign (1); Likely benign (2). Last evaluated 2026-09-06.

Conditions:
ACAN-related disorder. Also called: ACAN-related condition; ACAN-related disorders.

Allele frequency attached by ClinVar (database versions not stated): ESP Exome Variant Server 0.00008; gnomAD 0.00028 and 0.00042; TOPMed 0.00046; ExAC 0.00078; gnomAD exomes 0.00083; 1000 Genomes Project 30x 0.00156; 1000 Genomes Project 0.00200.
gnomAD v4.1: 564 of 1,613,788 alleles (0.035%); highest among the groups gnomAD compares: East Asian, 0.98%; 5 homozygotes.

Submissions (3):

PreventionGenetics, part of Exact Sciences
Classification: Likely benign for ACAN-related condition. Last evaluated: 2026-09-06. Review status: criteria provided, single submitter. Criteria: ACMG Guidelines, 2015. Collection method: clinical testing. Allele origin: germline.
Comment: This variant is classified as likely benign based on ACMG/AMP sequence variant interpretation guidelines (Richards et al. 2015 PMID: 25741868, with internal and published modifications).

Labcorp Genetics (formerly Invitae), Labcorp
Classification: Benign. Last evaluated: 2026-01-24. Review status: criteria provided, single submitter. Criteria: Invitae Variant Classification Sherloc (09022015). Collection method: clinical testing. Allele origin: germline.

Blueprint Genetics
Classification: Likely benign. Last evaluated: 2024-10-08. Review status: criteria provided, single submitter. Criteria: ACMG Guidelines, 2015. Collection method: clinical testing. Allele origin: germline.